The following is an entry in ClinVar:

ClinVar aggregate classification (germline): Uncertain significance (1 of 4 stars; one submission).

Submission:

Labcorp Genetics (formerly Invitae), Labcorp
Classification: Uncertain significance. Last evaluated: 2023-08-30. Review status: criteria provided, single submitter. Criteria: Invitae Variant Classification Sherloc (09022015). Collection method: clinical testing. Allele origin: germline.
Comment: This sequence change replaces valine, which is neutral and non-polar, with alanine, which is neutral and non-polar, at codon 276 of the SMARCB1 protein (p.Val276Ala). This variant is not present in population databases (gnomAD no frequency). In summary, the available evidence is currently insufficient to determine the role of this variant in disease. Therefore, it has been classified as a Variant of Uncertain Significance. Advanced modeling of protein sequence and biophysical properties (such as structural, functional, and spatial information, amino acid conservation, physicochemical variation, residue mobility, and thermodynamic stability) performed at Invitae indicates that this missense variant is not expected to disrupt SMARCB1 protein function. ClinVar contains an entry for this variant (Variation ID: 944473). This variant has not been reported in the literature in individuals affected with SMARCB1-related conditions.

NM_003073.5(SMARCB1):c.827T>C (p.Val276Ala)

Gene: SMARCB1 (SWI/SNF related BAF chromatin remodeling complex subunit B1; plus strand). Cytogenetic location: 22q11.23.
Variant type: single nucleotide variant.
Coding change: c.827T>C on transcript NM_003073.5 (MANE Select); coding-DNA position 827, T replaced by C.
Protein change: p.Val276Ala; replaces valine 276 with alanine.
Molecular consequence: missense variant.
Genome position (GRCh38, 1-based): chr22:23,825,256, T>C. VCF-style: chr22-23825256-T-C. GRCh37 (hg19) VCF-style: chr22-24167443-T-C.
Other names: c.800T>C, p.Val267Ala (NM_001007468.3); c.854T>C, p.Val285Ala (NM_001317946.2); c.881T>C, p.Val294Ala (NM_001362877.2); short protein forms V267A, V276A, V285A, V294A.
Identifiers: ClinVar variation 944473 (VCV000944473.9), dbSNP rs2030319413, ClinGen allele CA410906881.